The following is an entry in ClinVar:

ClinVar aggregate classification (germline): Conflicting classifications of pathogenicity. Review status: criteria provided, conflicting classifications (1 of 4 stars). 3 submissions from 3 submitters: Uncertain significance (2); Likely benign (1). Last evaluated 2026-07-27.

Conditions:
Microcephaly, normal intelligence and immunodeficiency (NBS). Also called: BERLIN BREAKAGE SYNDROME; IMMUNODEFICIENCY, MICROCEPHALY, AND CHROMOSOMAL INSTABILITY; SEEMANOVA SYNDROME II; Nijmegen breakage syndrome; Microcephaly with normal intelligence immunodeficiency and lymphoreticular malignancies; Nonsyndromal microcephaly autosomal recessive with normal intelligence. Identifiers: Orphanet 647, MedGen C0398791, MONDO:0009623, OMIM 251260.
Hereditary cancer-predisposing syndrome. Also called: Tumor predisposition; Hereditary Cancer Syndrome; Neoplastic Syndromes, Hereditary; Hereditary neoplastic syndrome. Identifiers: Orphanet 140162, MedGen C0027672, MeSH D009386, MONDO:0015356.

Allele frequency attached by ClinVar (database versions not stated): TOPMed below 0.00001; gnomAD 0.00001.

Submissions (3):

Ambry Genetics
Classification: Likely benign for Hereditary cancer-predisposing syndrome. Last evaluated: 2026-07-27. Review status: criteria provided, single submitter. Criteria: Ambry Variant Classification Scheme 2023. Collection method: clinical testing. Allele origin: germline.

Labcorp Genetics (formerly Invitae), Labcorp
Classification: Uncertain significance for Microcephaly, normal intelligence and immunodeficiency. Last evaluated: 2023-02-01. Review status: criteria provided, single submitter. Criteria: Invitae Variant Classification Sherloc (09022015). Collection method: clinical testing. Allele origin: germline.
Comment: This sequence change replaces isoleucine, which is neutral and non-polar, with valine, which is neutral and non-polar, at codon 675 of the NBN protein (p.Ile675Val). This variant is not present in population databases (gnomAD no frequency). This variant has not been reported in the literature in individuals affected with NBN-related conditions. ClinVar contains an entry for this variant (Variation ID: 801233). Algorithms developed to predict the effect of missense changes on protein structure and function output the following: SIFT: "Tolerated"; PolyPhen-2: "Benign"; Align-GVGD: "Class C0". The valine amino acid residue is found in multiple mammalian species, which suggests that this missense change does not adversely affect protein function. In summary, the available evidence is currently insufficient to determine the role of this variant in disease. Therefore, it has been classified as a Variant of Uncertain Significance.

Quest Diagnostics Nichols Institute San Juan Capistrano
Classification: Uncertain significance. Last evaluated: 2019-04-10. Review status: criteria provided, single submitter. Criteria: Quest Diagnostics criteria. Collection method: clinical testing. Allele origin: germline.

NM_002485.5(NBN):c.2023A>G (p.Ile675Val)

Gene: NBN (nibrin; minus strand). Cytogenetic location: 8q21.3.
Variant type: single nucleotide variant.
Coding change: c.2023A>G on transcript NM_002485.5 (MANE Select); coding-DNA position 2023, A replaced by G.
Protein change: p.Ile675Val; replaces isoleucine 675 with valine.
Molecular consequence: missense variant.
Genome position (GRCh38, 1-based): chr8:89,946,187, T>C on the plus strand (A>G on the coding strand, the complement: NBN is on the minus strand). VCF-style: chr8-89946187-T-C. GRCh37 (hg19) VCF-style: chr8-90958415-T-C.
Other names: c.1777A>G, p.Ile593Val (NM_001024688.3); short protein forms I675V, I593V.
Identifiers: ClinVar variation 801233 (VCV000801233.8), dbSNP rs1586040318, ClinGen allele CA371676423.